The following is an entry in ClinVar:

NM_004385.5(VCAN):c.4912A>G (p.Ile1638Val)

Genes: VCAN (versican; plus strand), VCAN-AS1 (VCAN antisense RNA 1; minus strand). Cytogenetic location: 5q14.3.
Variant type: single nucleotide variant.
Coding change: c.4912A>G on transcript NM_004385.5 (MANE Select); coding-DNA position 4912, A replaced by G.
Protein change: p.Ile1638Val; replaces isoleucine 1638 with valine.
Molecular consequence: missense variant. On other transcripts: intron variant (2).
Genome position (GRCh38, 1-based): chr5:83,537,915, A>G. VCF-style: chr5-83537915-A-G. GRCh37 (hg19) VCF-style: chr5-82833734-A-G.
Other names: c.1951A>G, p.Ile651Val (NM_001164097.2); c.4004-7622A>G (NM_001164098.2); c.1043-7622A>G (NM_001126336.3); short protein forms I1638V, I651V.
Identifiers: ClinVar variation 3630451 (VCV003630451.2).
Genomic context (GRCh38, chr5:83,537,915, plus strand): 5'-AGCTGGGTAGAAGCAACTCCTAGACAAGTTGTAGAGCTCTCAGGGAGTTCTTCGATTCCA[A>G]TTACAGAAGGCTCTGGAGAAGCAGAAGAAGATGAAGATACAATGTTCACCATGGTAACTG-3'
Protein context (NP_004376.2, residues 1628-1648): VELSGSSSIP[Ile1638Val]TEGSGEAEED

ClinVar aggregate classification (germline): Uncertain significance (1 of 4 stars; one submission).

gnomAD v4.1: 4 of 1,613,982 alleles (0.00025%); highest among the groups gnomAD compares: South Asian, 0.0044%; no homozygotes.

Submission:

Labcorp Genetics (formerly Invitae), Labcorp
Classification: Uncertain significance. Last evaluated: 2024-05-27. Review status: criteria provided, single submitter. Criteria: Invitae Variant Classification Sherloc (09022015). Collection method: clinical testing. Allele origin: germline.
Comment: This sequence change replaces isoleucine, which is neutral and non-polar, with valine, which is neutral and non-polar, at codon 1638 of the VCAN protein (p.Ile1638Val). This variant is present in population databases (rs766142228, gnomAD 0.003%). This variant has not been reported in the literature in individuals affected with VCAN-related conditions. Algorithms developed to predict the effect of missense changes on protein structure and function output the following: SIFT: "Not Available"; PolyPhen-2: "Benign"; Align-GVGD: "Not Available". The valine amino acid residue is found in multiple mammalian species, which suggests that this missense change does not adversely affect protein function. In summary, the available evidence is currently insufficient to determine the role of this variant in disease. Therefore, it has been classified as a Variant of Uncertain Significance.